The following is an entry in ClinVar:

NM_001375524.1(TRRAP):c.1846C>T (p.Arg616Cys)

Gene: TRRAP (transformation/transcription domain associated protein; plus strand). Cytogenetic location: 7q22.1.
Variant type: single nucleotide variant.
Coding change: c.1846C>T on transcript NM_001375524.1 (MANE Select); coding-DNA position 1846, C replaced by T.
Protein change: p.Arg616Cys; replaces arginine 616 with cysteine.
Molecular consequence: missense variant.
Genome position (GRCh38, 1-based): chr7:98,911,110, C>T. VCF-style: chr7-98911110-C-T. GRCh37 (hg19) VCF-style: chr7-98508733-C-T.
Other names: c.1846C>T, p.Arg616Cys (NM_001244580.2, NM_003496.4); short protein forms R616C.
Identifiers: ClinVar variation 3329359 (VCV003329359.2).

ClinVar aggregate classification (germline): Uncertain significance. Review status: criteria provided, multiple submitters, no conflicts (2 of 4 stars). 2 submissions from 2 submitters: Uncertain significance (2). Last evaluated 2025-11-12.

Conditions:
Inborn genetic diseases. Identifiers: MedGen C0950123, MeSH D030342.

gnomAD v4.1: 15 of 1,613,924 alleles (0.00093%); highest among the groups gnomAD compares: East Asian, 0.0022%; no homozygotes.

Submissions (2):

Women's Health and Genetics/Laboratory Corporation of America, LabCorp
Classification: Uncertain significance. Last evaluated: 2025-11-12. Review status: criteria provided, single submitter. Criteria: LabCorp Variant Classification Summary - May 2015. Collection method: clinical testing. Allele origin: germline.
Comment: Variant summary: TRRAP c.1846C>T (p.Arg616Cys) results in a non-conservative amino acid change in the encoded protein sequence. Algorithms developed to predict the effect of missense changes on protein structure and function are either unavailable or do not agree on the potential impact of this missense change. The variant was absent in 251436 control chromosomes. The available data on variant occurrences in the general population are insufficient to allow any conclusion about variant significance. To our knowledge, no occurrence of c.1846C>T in individuals affected with TRRAP-related conditions and no experimental evidence demonstrating its impact on protein function have been reported. ClinVar contains an entry for this variant (Variation ID: 3329359). Based on the evidence outlined above, the variant was classified as uncertain significance.

Ambry Genetics
Classification: Uncertain significance for Inborn genetic diseases. Last evaluated: 2024-04-05. Review status: criteria provided, single submitter. Criteria: Ambry Variant Classification Scheme 2023. Collection method: clinical testing. Allele origin: germline.